The following is an entry in ClinVar:

NM_000179.3(MSH6):c.2031T>C (p.Ser677=)

Gene: MSH6 (mutS homolog 6; plus strand). Cytogenetic location: 2p16.3.
Variant type: single nucleotide variant.
Coding change: c.2031T>C on transcript NM_000179.3 (MANE Select); coding-DNA position 2031, T replaced by C.
Protein change: p.Ser677=; no amino-acid change (serine 677 retained).
Molecular consequence: synonymous variant. On other transcripts: non-coding transcript variant (5), intron variant (2).
Genome position (GRCh38, 1-based): chr2:47,800,014, T>C. VCF-style: chr2-47800014-T-C. GRCh37 (hg19) VCF-style: chr2-48027153-T-C.
Other names: c.1641T>C, p.Ser547= (NM_001281492.2); c.1125T>C, p.Ser375= (NM_001281493.2, NM_001281494.2, NM_001406811.1 and 6 more transcripts); c.2127T>C, p.Ser709= (NM_001406795.1, NM_001406802.1); c.2031T>C, p.Ser677= (NM_001406796.1, NM_001406798.1, NM_001406800.1 and 3 more transcripts); c.1734T>C, p.Ser578= (NM_001406797.1, NM_001406801.1, NM_001406805.1 and 10 more transcripts); c.1506T>C, p.Ser502= (NM_001406799.1, NM_001406806.1, NM_001406807.1); c.1953T>C, p.Ser651= (NM_001406804.1); c.2037T>C, p.Ser679= (NM_001406813.1); and 3 more.
Identifiers: ClinVar variation 1784772 (VCV001784772.3), dbSNP rs1558664009, ClinGen allele CA426121334.

ClinVar aggregate classification (germline): Benign/Likely benign. Review status: criteria provided, multiple submitters, no conflicts (2 of 4 stars). 2 submissions from 2 submitters: Benign (1); Likely benign (1). Last evaluated 2024-12-30.

Conditions:
Hereditary cancer-predisposing syndrome. Also called: Neoplastic Syndromes, Hereditary; Tumor predisposition; Hereditary Cancer Syndrome; Hereditary neoplastic syndrome. Identifiers: Orphanet 140162, MedGen C0027672, MeSH D009386, MONDO:0015356.
Lynch syndrome 5 (LYNCH5). Also called: Colorectal cancer, hereditary nonpolyposis, type 5; Hereditary non-polyposis colorectal cancer, type 5. Identifiers: Orphanet 144, MedGen C1833477, MONDO:0013710, OMIM 614350. Disease mechanism: loss of function.

Submissions (2):

Myriad Genetics, Inc.
Classification: Benign for Lynch syndrome 5. Last evaluated: 2024-12-30. Review status: criteria provided, single submitter. Criteria: Myriad Autosomal Dominant, Autosomal Recessive and X-Linked Classification Criteria (2023). Collection method: clinical testing. Allele origin: unknown.
Comment: This variant is considered benign. This variant is a silent/synonymous amino acid change and it is not expected to impact splicing.

Ambry Genetics
Classification: Likely benign for Hereditary cancer-predisposing syndrome. Last evaluated: 2021-08-01. Review status: criteria provided, single submitter. Criteria: Ambry Variant Classification Scheme 2023. Collection method: clinical testing. Allele origin: germline.